The following is an entry in ClinVar:

NM_022124.6(CDH23):c.6445C>G (p.Arg2149Gly)

Gene: CDH23 (cadherin related 23; plus strand). Cytogenetic location: 10q22.1.
Variant type: single nucleotide variant.
Coding change: c.6445C>G on transcript NM_022124.6 (MANE Select); coding-DNA position 6445, C replaced by G.
Protein change: p.Arg2149Gly; replaces arginine 2149 with glycine.
Molecular consequence: missense variant.
Genome position (GRCh38, 1-based): chr10:71,793,373, C>G. VCF-style: chr10-71793373-C-G. GRCh37 (hg19) VCF-style: chr10-73553130-C-G.
Other names: short protein forms R2149G.
Identifiers: ClinVar variation 2108196 (VCV002108196.4), dbSNP rs747377857, ClinGen allele CA377155043.

ClinVar aggregate classification (germline): Uncertain significance (1 of 4 stars; one submission).

Submission:

Labcorp Genetics (formerly Invitae), Labcorp
Classification: Uncertain significance. Last evaluated: 2025-11-05. Review status: criteria provided, single submitter. Criteria: Invitae Variant Classification Sherloc (09022015). Collection method: clinical testing. Allele origin: germline.
Comment: This sequence change replaces arginine, which is basic and polar, with glycine, which is neutral and non-polar, at codon 2149 of the CDH23 protein (p.Arg2149Gly). This variant is not present in population databases (gnomAD no frequency). This variant has not been reported in the literature in individuals affected with CDH23-related conditions. ClinVar contains an entry for this variant (Variation ID: 2108196). Invitae Evidence Modeling of protein sequence and biophysical properties (such as structural, functional, and spatial information, amino acid conservation, physicochemical variation, residue mobility, and thermodynamic stability) has been performed for this missense variant. However, the output from this modeling did not meet the statistical confidence thresholds required to predict the impact of this variant on CDH23 protein function. In summary, the available evidence is currently insufficient to determine the role of this variant in disease. Therefore, it has been classified as a Variant of Uncertain Significance.